The following is an entry in ClinVar:

NM_000135.4(FANCA):c.3135G>C (p.Glu1045Asp)

Gene: FANCA (FA complementation group A; minus strand). Cytogenetic location: 16q24.3.
Variant type: single nucleotide variant.
Coding change: c.3135G>C on transcript NM_000135.4 (MANE Select); coding-DNA position 3135, G replaced by C.
Protein change: p.Glu1045Asp; replaces glutamic acid 1045 with aspartic acid.
Molecular consequence: missense variant.
Genome position (GRCh38, 1-based): chr16:89,749,834, C>G on the plus strand (G>C on the coding strand, the complement: FANCA is on the minus strand). VCF-style: chr16-89749834-C-G. GRCh37 (hg19) VCF-style: chr16-89816242-C-G.
Other names: c.3135G>C, p.Glu1045Asp (NM_001286167.3); short protein forms E1045D.
Identifiers: ClinVar variation 4870922 (VCV004870922.1).

ClinVar aggregate classification (germline): Uncertain significance (1 of 4 stars; one submission).

Conditions:
Inborn genetic diseases. Identifiers: MedGen C0950123, MeSH D030342.

Submission:

Ambry Genetics
Classification: Uncertain significance for Inborn genetic diseases. Last evaluated: 2026-06-10. Review status: criteria provided, single submitter. Criteria: Ambry Variant Classification Scheme 2023. Collection method: clinical testing. Allele origin: germline.
Comment: The p.E1045D variant (also known as c.3135G>C), located in coding exon 32 of the FANCA gene, results from a G to C substitution at nucleotide position 3135. The glutamic acid at codon 1045 is replaced by aspartic acid, an amino acid with highly similar properties. This amino acid position is conserved. In addition, this alteration is predicted to be tolerated by in silico analysis. Based on the available evidence, the clinical significance of this variant remains unclear.